The following is an entry in ClinVar:

ClinVar aggregate classification (germline): Uncertain significance. Review status: criteria provided, multiple submitters, no conflicts (2 of 4 stars). 2 submissions from 2 submitters: Uncertain significance (2). Last evaluated 2025-12-11.

Conditions:
Inborn genetic diseases. Identifiers: MedGen C0950123, MeSH D030342.
Short-rib thoracic dysplasia 14 with polydactyly (SRTD14). Identifiers: Orphanet 397715, MedGen C4225286, MONDO:0014688, OMIM 616546.
Joubert syndrome 23 (JBTS23). Identifiers: Orphanet 475, MedGen C4084822, MONDO:0014664, OMIM 616490.

Allele frequency attached by ClinVar (database versions not stated): TOPMed 0.00006; ESP Exome Variant Server 0.00008; gnomAD exomes 0.00002 and 0.00001; gnomAD 0.00005 and 0.00006.
gnomAD v4.1: 19 of 1,539,788 alleles (0.0012%); highest among the groups gnomAD compares: Middle Eastern, 0.017%; no homozygotes.

Submissions (2):

Ambry Genetics
Classification: Uncertain significance for Inborn genetic diseases. Last evaluated: 2025-12-11. Review status: criteria provided, single submitter. Criteria: Ambry Variant Classification Scheme 2023. Collection method: clinical testing. Allele origin: germline.

Labcorp Genetics (formerly Invitae), Labcorp
Classification: Uncertain significance for Joubert syndrome 23; Short-rib thoracic dysplasia 14 with polydactyly. Last evaluated: 2025-03-17. Review status: criteria provided, single submitter. Criteria: Invitae Variant Classification Sherloc (09022015). Collection method: clinical testing. Allele origin: germline.
Comment: This sequence change replaces glutamic acid, which is acidic and polar, with lysine, which is basic and polar, at codon 1383 of the KIAA0586 protein (p.Glu1383Lys). This variant is present in population databases (rs373649439, gnomAD 0.009%). This variant has not been reported in the literature in individuals affected with KIAA0586-related conditions. ClinVar contains an entry for this variant (Variation ID: 1521880). An algorithm developed to predict the effect of missense changes on protein structure and function (PolyPhen-2) suggests that this variant is likely to be disruptive. In summary, the available evidence is currently insufficient to determine the role of this variant in disease. Therefore, it has been classified as a Variant of Uncertain Significance.

NM_001329943.3(KIAA0586):c.3988G>A (p.Glu1330Lys)

Gene: KIAA0586 (KIAA0586; plus strand). Cytogenetic location: 14q23.1.
Variant type: single nucleotide variant.
Coding change: c.3988G>A on transcript NM_001329943.3 (MANE Select); coding-DNA position 3988, G replaced by A.
Protein change: p.Glu1330Lys; replaces glutamic acid 1330 with lysine.
Molecular consequence: missense variant. On other transcripts: intron variant (1).
Genome position (GRCh38, 1-based): chr14:58,492,273, G>A. VCF-style: chr14-58492273-G-A. GRCh37 (hg19) VCF-style: chr14-58958991-G-A.
Other names: c.4147G>A, p.Glu1383Lys (NM_001244189.2); c.3943G>A, p.Glu1315Lys (NM_001244190.2); c.3733G>A, p.Glu1245Lys (NM_001244191.2, NM_001329945.2, NM_001364700.1 and 1 more transcripts); c.3856G>A, p.Glu1286Lys (NM_001244192.2); c.3568G>A, p.Glu1190Lys (NM_001244193.2); c.3988G>A, p.Glu1330Lys (NM_001329944.2, NM_001329946.2); c.3760G>A, p.Glu1254Lys (NM_014749.5); c.3858+2033G>A (NM_001329947.2); and 1 more; short protein forms E1245K, E1254K, E1330K, E1383K, E1190K, E1286K, E1315K.
Identifiers: ClinVar variation 1521880 (VCV001521880.6), dbSNP rs373649439, ClinGen allele CA261650076.